The following is an entry in ClinVar:

NM_153240.5(NPHP3):c.3336T>C (p.Ala1112=)

Genes: NPHP3 (nephrocystin 3; minus strand), NPHP3-ACAD11 (NPHP3-ACAD11 readthrough (NMD candidate); minus strand). Cytogenetic location: 3q22.1.
Variant type: single nucleotide variant.
Coding change: c.3336T>C on transcript NM_153240.5 (MANE Select); coding-DNA position 3336, T replaced by C.
Protein change: p.Ala1112=; no amino-acid change (alanine 1112 retained).
Molecular consequence: synonymous variant. On other transcripts: non-coding transcript variant (1).
Genome position (GRCh38, 1-based): chr3:132,684,788, A>G on the plus strand (T>C on the coding strand, the complement: NPHP3 is on the minus strand). VCF-style: chr3-132684788-A-G. GRCh37 (hg19) VCF-style: chr3-132403632-A-G.
Other names: c.3336T>C (NM_153240.4).
Identifiers: ClinVar variation 497618 (VCV000497618.16), dbSNP rs188431787, ClinGen allele CA2621763.

ClinVar aggregate classification (germline): Conflicting classifications of pathogenicity. Review status: criteria provided, conflicting classifications (1 of 4 stars). 4 submissions from 4 submitters: Uncertain significance (1); Likely benign (2). 1 of the submissions does not count toward it. Last evaluated 2025-08-28.

Conditions:
Nephronophthisis. Also called: Juvenile Nephronophthisis. Identifiers: Orphanet 655, MedGen C0687120, MONDO:0019005, HP:0000090.
NPHP3-related disorder. Also called: NPHP3-related disorders; NPHP3-related condition. Identifiers: MedGen CN379163.

Allele frequency attached by ClinVar (database versions not stated): gnomAD exomes 0.00002 and 0.00005; ExAC 0.00007; ESP Exome Variant Server 0.00008; TOPMed 0.00018; gnomAD 0.00020; 1000 Genomes Project 0.00080; 1000 Genomes Project 30x 0.00094.
gnomAD v4.1: 72 of 1,613,194 alleles (0.0045%); highest among the groups gnomAD compares: African/African-American, 0.064%; no homozygotes.

Submissions (4):

Labcorp Genetics (formerly Invitae), Labcorp
Classification: Likely benign for Nephronophthisis. Last evaluated: 2025-08-28. Review status: criteria provided, single submitter. Criteria: Invitae Variant Classification Sherloc (09022015). Collection method: clinical testing. Allele origin: germline.

Blueprint Genetics
Classification: Likely benign. Last evaluated: 2024-05-02. Review status: criteria provided, single submitter. Criteria: ACMG Guidelines, 2015. Collection method: clinical testing. Allele origin: germline.

Eurofins Ntd Llc (ga)
Classification: Uncertain significance. Last evaluated: 2017-12-14. Review status: criteria provided, single submitter. Criteria: EGL Classification Definitions 2015. Collection method: clinical testing. Allele origin: germline. Observed: 3 variant alleles, 3 heterozygotes.

PreventionGenetics, part of Exact Sciences
Classification: Likely benign for NPHP3-related condition. Last evaluated: 2021-04-14. Review status: no assertion criteria provided. Collection method: clinical testing. Allele origin: germline. Not counted in ClinVar's aggregate classification.
Comment: This variant is classified as likely benign based on ACMG/AMP sequence variant interpretation guidelines (Richards et al. 2015 PMID: 25741868, with internal and published modifications).